The following is an entry in ClinVar:

NM_000368.5(TSC1):c.523G>T (p.Val175Phe)

Gene: TSC1 (TSC complex subunit 1; minus strand). Cytogenetic location: 9q34.13.
Variant type: single nucleotide variant.
Coding change: c.523G>T on transcript NM_000368.5 (MANE Select); coding-DNA position 523, G replaced by T.
Protein change: p.Val175Phe; replaces valine 175 with phenylalanine.
Molecular consequence: missense variant.
Genome position (GRCh38, 1-based): chr9:132,921,959, C>A on the plus strand (G>T on the coding strand, the complement: TSC1 is on the minus strand). VCF-style: chr9-132921959-C-A. GRCh37 (hg19) VCF-style: chr9-135797346-C-A.
Other names: c.523G>T, p.Val175Phe (NM_001162426.2); c.370G>T, p.Val124Phe (NM_001162427.2); c.160G>T, p.Val54Phe (NM_001362177.2); short protein forms V175F, V124F, V54F.
Identifiers: ClinVar variation 572401 (VCV000572401.11), dbSNP rs1564498330, ClinGen allele CA375372894.

ClinVar aggregate classification (germline): Uncertain significance. Review status: criteria provided, multiple submitters, no conflicts (2 of 4 stars). 2 submissions from 2 submitters: Uncertain significance (2). Last evaluated 2022-03-04.

Conditions:
Hereditary cancer-predisposing syndrome. Also called: Hereditary neoplastic syndrome; Neoplastic Syndromes, Hereditary; Hereditary Cancer Syndrome; Tumor predisposition. Identifiers: Orphanet 140162, MedGen C0027672, MeSH D009386, MONDO:0015356.
Tuberous sclerosis 1 (TSC1). Identifiers: Orphanet 805, MedGen C1854465, MONDO:0008612, OMIM 191100.

Submissions (2):

Ambry Genetics
Classification: Uncertain significance for Hereditary cancer-predisposing syndrome. Last evaluated: 2022-03-04. Review status: criteria provided, single submitter. Criteria: Ambry Variant Classification Scheme 2023. Collection method: clinical testing. Allele origin: germline.
Comment: The p.V175F variant (also known as c.523G>T), located in coding exon 5 of the TSC1 gene, results from a G to T substitution at nucleotide position 523. The valine at codon 175 is replaced by phenylalanine, an amino acid with highly similar properties. This amino acid position is conserved. In addition, the in silico prediction for this alteration is inconclusive. Since supporting evidence is limited at this time, the clinical significance of this alteration remains unclear.

Labcorp Genetics (formerly Invitae), Labcorp
Classification: Uncertain significance for Tuberous sclerosis 1. Last evaluated: 2021-04-27. Review status: criteria provided, single submitter. Criteria: Invitae Variant Classification Sherloc (09022015). Collection method: clinical testing. Allele origin: germline.
Comment: This sequence change replaces valine with phenylalanine at codon 175 of the TSC1 protein (p.Val175Phe). The valine residue is weakly conserved and there is a small physicochemical difference between valine and phenylalanine. In summary, the available evidence is currently insufficient to determine the role of this variant in disease. Therefore, it has been classified as a Variant of Uncertain Significance. Algorithms developed to predict the effect of missense changes on protein structure and function are either unavailable or do not agree on the potential impact of this missense change (SIFT: "Deleterious"; PolyPhen-2: "Possibly Damaging"; Align-GVGD: "Class C0"). This variant has not been reported in the literature in individuals with TSC1-related conditions. ClinVar contains an entry for this variant (Variation ID: 572401). This variant is not present in population databases (ExAC no frequency).